The following is an entry in ClinVar:

ClinVar aggregate classification (germline): Uncertain significance (1 of 4 stars; one submission).

gnomAD v4.1: 4 of 1,614,130 alleles (0.00025%); highest among the groups gnomAD compares: South Asian, 0.0011%; no homozygotes.

Submission:

Labcorp Genetics (formerly Invitae), Labcorp
Classification: Uncertain significance. Last evaluated: 2024-12-08. Review status: criteria provided, single submitter. Criteria: Invitae Variant Classification Sherloc (09022015). Collection method: clinical testing. Allele origin: germline.
Comment: This sequence change replaces arginine, which is basic and polar, with cysteine, which is neutral and slightly polar, at codon 362 of the ADIPOR1 protein (p.Arg362Cys). This variant is present in population databases (no rsID available, gnomAD 0.003%). This variant has not been reported in the literature in individuals affected with ADIPOR1-related conditions. An algorithm developed to predict the effect of missense changes on protein structure and function (PolyPhen-2) suggests that this variant is likely to be disruptive. In summary, the available evidence is currently insufficient to determine the role of this variant in disease. Therefore, it has been classified as a Variant of Uncertain Significance.

NM_015999.6(ADIPOR1):c.1084C>T (p.Arg362Cys)

Gene: ADIPOR1 (adiponectin receptor 1; minus strand). Cytogenetic location: 1q32.1.
Variant type: single nucleotide variant.
Coding change: c.1084C>T on transcript NM_015999.6 (MANE Select); coding-DNA position 1084, C replaced by T.
Protein change: p.Arg362Cys; replaces arginine 362 with cysteine.
Molecular consequence: missense variant.
Genome position (GRCh38, 1-based): chr1:202,941,617, G>A on the plus strand (C>T on the coding strand, the complement: ADIPOR1 is on the minus strand). VCF-style: chr1-202941617-G-A. GRCh37 (hg19) VCF-style: chr1-202910745-G-A.
Other names: c.1084C>T, p.Arg362Cys (NM_001290553.2, NM_001290557.1, NM_001290629.1); short protein forms R362C.
Identifiers: ClinVar variation 3711289 (VCV003711289.2).